The following is an entry in ClinVar:

ClinVar aggregate classification (germline): Uncertain significance (1 of 4 stars; one submission).

Conditions:
Hereditary cancer-predisposing syndrome. Also called: Neoplastic Syndromes, Hereditary; Tumor predisposition; Hereditary Cancer Syndrome; Hereditary neoplastic syndrome. Identifiers: Orphanet 140162, MedGen C0027672, MeSH D009386, MONDO:0015356.

Submission:

Ambry Genetics
Classification: Uncertain significance for Hereditary cancer-predisposing syndrome. Last evaluated: 2022-09-11. Review status: criteria provided, single submitter. Criteria: Ambry Variant Classification Scheme 2023. Collection method: clinical testing. Allele origin: germline.
Comment: The p.T263R variant (also known as c.788C>G), located in coding exon 1 of the MET gene, results from a C to G substitution at nucleotide position 788. The threonine at codon 263 is replaced by arginine, an amino acid with similar properties. This amino acid position is conserved. In addition, the in silico prediction for this alteration is inconclusive. Since supporting evidence is limited at this time, the clinical significance of this alteration remains unclear.

NM_000245.4(MET):c.788C>G (p.Thr263Arg)

Gene: MET (MET proto-oncogene, receptor tyrosine kinase; plus strand). Cytogenetic location: 7q31.2.
Variant type: single nucleotide variant.
Coding change: c.788C>G on transcript NM_000245.4 (MANE Select); coding-DNA position 788, C replaced by G.
Protein change: p.Thr263Arg; replaces threonine 263 with arginine.
Molecular consequence: missense variant. On other transcripts: intron variant (1).
Genome position (GRCh38, 1-based): chr7:116,699,872, C>G. VCF-style: chr7-116699872-C-G. GRCh37 (hg19) VCF-style: chr7-116339926-C-G.
Other names: c.788C>G, p.Thr263Arg (NM_001127500.3, NM_001324401.3); c.-91+27295C>G (NM_001324402.2); short protein forms T263R.
Identifiers: ClinVar variation 1761037 (VCV001761037.2), dbSNP rs764052874, ClinGen allele CA368969857.